The following is an entry in ClinVar:

ClinVar aggregate classification (germline): Uncertain significance (1 of 4 stars; one submission).

Conditions:
KSR2-related disorder. Also called: KSR2-related condition.

gnomAD v4.1: 106 of 1,611,146 alleles (0.0066%); highest among the groups gnomAD compares: Middle Eastern, 0.05%; 1 homozygote.

Submission:

PreventionGenetics, part of Exact Sciences
Classification: Uncertain significance for KSR2-related condition. Last evaluated: 2026-06-02. Review status: criteria provided, single submitter. Criteria: ACMG Guidelines, 2015. Collection method: clinical testing. Allele origin: germline.
Comment: The KSR2 c.2381G>A variant is predicted to result in the amino acid substitution p.Arg794His. This variant is alternatively referred to as p.Arg823His (R823H) in the literature. It has been reported in the heterozygous state in at least one individual with early-onset severe obesity and functional studies demonstrate reduced oxidation of fatty acids and glucose (Pearce et al. 2013. PubMed ID: 24209692). Statistical evidence in gnomAD suggests the KSR2 gene is intolerant of missense variation. This variant is reported in 0.031% of alleles in individuals of South Asian descent in gnomAD. Although we suspect that this variant may be pathogenic, at this time, the clinical significance of this variant is uncertain due to the absence of conclusive functional and genetic evidence.

NM_173598.6(KSR2):c.2468G>A (p.Arg823His)

Gene: KSR2 (kinase suppressor of ras 2; minus strand). Cytogenetic location: 12q24.22.
Variant type: single nucleotide variant.
Coding change: c.2468G>A on transcript NM_173598.6 (MANE Select); coding-DNA position 2468, G replaced by A.
Protein change: p.Arg823His; replaces arginine 823 with histidine.
Molecular consequence: missense variant.
Genome position (GRCh38, 1-based): chr12:117,476,578, C>T on the plus strand (G>A on the coding strand, the complement: KSR2 is on the minus strand). VCF-style: chr12-117476578-C-T. GRCh37 (hg19) VCF-style: chr12-117914383-C-T.
Other names: short protein forms R823H.
Identifiers: ClinVar variation 3352596 (VCV003352596.2).